The following is an entry in ClinVar:

ClinVar aggregate classification (germline): Conflicting classifications of pathogenicity. Review status: criteria provided, conflicting classifications (1 of 4 stars). 2 submissions from 2 submitters: Uncertain significance (1); Likely benign (1). Last evaluated 2025-07-14.

Conditions:
Inborn genetic diseases. Identifiers: MedGen C0950123, MeSH D030342.

gnomAD v4.1: 1 of 1,580,142 alleles (0.000063%); highest among the groups gnomAD compares: Non-Finnish European, 0.000087%; no homozygotes.

Submissions (2):

Ambry Genetics
Classification: Likely benign for Inborn genetic diseases. Last evaluated: 2025-07-14. Review status: criteria provided, single submitter. Criteria: Ambry Variant Classification Scheme 2023. Collection method: clinical testing. Allele origin: germline.

Labcorp Genetics (formerly Invitae), Labcorp
Classification: Uncertain significance. Last evaluated: 2024-05-13. Review status: criteria provided, single submitter. Criteria: Invitae Variant Classification Sherloc (09022015). Collection method: clinical testing. Allele origin: germline.
Comment: This sequence change replaces valine, which is neutral and non-polar, with methionine, which is neutral and non-polar, at codon 456 of the ANKRD26 protein (p.Val456Met). This variant is not present in population databases (gnomAD no frequency). This variant has not been reported in the literature in individuals affected with ANKRD26-related conditions. Algorithms developed to predict the effect of missense changes on protein structure and function output the following: SIFT: "Not Available"; PolyPhen-2: "Benign"; Align-GVGD: "Not Available". The methionine amino acid residue is found in multiple mammalian species, which suggests that this missense change does not adversely affect protein function. In summary, the available evidence is currently insufficient to determine the role of this variant in disease. Therefore, it has been classified as a Variant of Uncertain Significance.

NM_014915.3(ANKRD26):c.1366G>A (p.Val456Met)

Gene: ANKRD26 (ankyrin repeat domain 26; minus strand). Cytogenetic location: 10p12.1.
Variant type: single nucleotide variant.
Coding change: c.1366G>A on transcript NM_014915.3 (MANE Select); coding-DNA position 1366, G replaced by A.
Protein change: p.Val456Met; replaces valine 456 with methionine.
Molecular consequence: missense variant.
Genome position (GRCh38, 1-based): chr10:27,061,240, C>T on the plus strand (G>A on the coding strand, the complement: ANKRD26 is on the minus strand). VCF-style: chr10-27061240-C-T. GRCh37 (hg19) VCF-style: chr10-27350169-C-T.
Other names: c.1366G>A, p.Val456Met (NM_001256053.2); short protein forms V456M.
Identifiers: ClinVar variation 3673906 (VCV003673906.3).